The following is an entry in ClinVar:

ClinVar aggregate classification (germline): Uncertain significance. Review status: criteria provided, multiple submitters, no conflicts (2 of 4 stars). 5 submissions from 5 submitters: Uncertain significance (5). Last evaluated 2025-05-15.

Conditions:
Lynch syndrome 4 (LYNCH4). Also called: Colorectal cancer, hereditary nonpolyposis, type 4; Hereditary non-polyposis colorectal cancer, type 4. Identifiers: Orphanet 144, MedGen C1838333, MONDO:0013699, OMIM 614337. Disease mechanism: loss of function.
Hereditary nonpolyposis colorectal neoplasms. Identifiers: MedGen C0009405, MeSH D003123.
Hereditary cancer-predisposing syndrome. Also called: Neoplastic Syndromes, Hereditary; Tumor predisposition; Hereditary neoplastic syndrome; Hereditary Cancer Syndrome. Identifiers: Orphanet 140162, MedGen C0027672, MeSH D009386, MONDO:0015356.

Allele frequency attached by ClinVar (database versions not stated): gnomAD exomes below 0.00001 and 0.00001; ExAC 0.00001.
gnomAD v4.1: 4 of 1,611,370 alleles (0.00025%); highest among the groups gnomAD compares: Admixed American, 0.0067%; no homozygotes.

Submissions (5):

Labcorp Genetics (formerly Invitae), Labcorp
Classification: Uncertain significance for Hereditary nonpolyposis colorectal neoplasms. Last evaluated: 2025-05-15. Review status: criteria provided, single submitter. Criteria: Invitae Variant Classification Sherloc (09022015). Collection method: clinical testing. Allele origin: germline.
Comment: This sequence change replaces valine, which is neutral and non-polar, with glycine, which is neutral and non-polar, at codon 380 of the PMS2 protein (p.Val380Gly). This variant is present in population databases (rs748971523, gnomAD 0.006%). This variant has not been reported in the literature in individuals affected with PMS2-related conditions. ClinVar contains an entry for this variant (Variation ID: 630207). Invitae Evidence Modeling incorporating data from in vitro experimental studies (internal data) indicates that this missense variant is not expected to disrupt PMS2 function with a negative predictive value of 95%. In summary, the available evidence is currently insufficient to determine the role of this variant in disease. Therefore, it has been classified as a Variant of Uncertain Significance.

Ambry Genetics
Classification: Uncertain significance for Hereditary cancer-predisposing syndrome. Last evaluated: 2024-11-02. Review status: criteria provided, single submitter. Criteria: Ambry Variant Classification Scheme 2023. Collection method: clinical testing. Allele origin: germline.
Comment: The p.V380G variant (also known as c.1139T>G), located in coding exon 10 of the PMS2 gene, results from a T to G substitution at nucleotide position 1139. The valine at codon 380 is replaced by glycine, an amino acid with dissimilar properties. This amino acid position is poorly conserved in available vertebrate species. In addition, this alteration is predicted to be tolerated by in silico analysis. Since supporting evidence is limited at this time, the clinical significance of this alteration remains unclear.

Color Diagnostics, LLC DBA Color Health
Classification: Uncertain significance for Hereditary cancer-predisposing syndrome. Last evaluated: 2024-03-06. Review status: criteria provided, single submitter. Criteria: ACMG Guidelines, 2015. Collection method: clinical testing. Allele origin: germline.
Comment: This missense variant replaces valine with glycine at codon 380 of the PMS2 protein. Computational prediction is inconclusive regarding the impact of this variant on protein structure and function (internally defined REVEL score threshold 0.5 < inconclusive < 0.7, PMID: 27666373). To our knowledge, functional studies have not been reported for this variant. This variant has not been reported in individuals affected with hereditary cancer in the literature. This variant has been identified in 3/251238 chromosomes in the general population by the Genome Aggregation Database (gnomAD). The available evidence is insufficient to determine the role of this variant in disease conclusively. Therefore, this variant is classified as a Variant of Uncertain Significance.

Quest Diagnostics Nichols Institute San Juan Capistrano
Classification: Uncertain significance. Last evaluated: 2023-10-24. Review status: criteria provided, single submitter. Criteria: Quest Diagnostics criteria. Collection method: clinical testing. Allele origin: unknown.
Comment: The PMS2 c.1139T>G (p.Val380Gly) variant has not been reported in individuals with PMS2-related conditions in the published literature. The frequency of this variant in the general population, 0.000087 (3/34526 chromosomes (Genome Aggregation Database)), is uninformative in the assessment of its pathogenicity. Analysis of this variant using bioinformatics tools for the prediction of the effect of amino acid changes on protein structure and function yielded predictions that this variant is benign. Based on the available information, we are unable to determine the clinical significance of this variant.

Baylor Genetics
Classification: Uncertain significance for Lynch syndrome 4. Last evaluated: 2023-09-29. Review status: criteria provided, single submitter. Criteria: ACMG Guidelines, 2015. Collection method: clinical testing. Allele origin: unknown.

NM_000535.7(PMS2):c.1139T>G (p.Val380Gly)

Gene: PMS2 (PMS1 homolog 2, mismatch repair system component; minus strand). Cytogenetic location: 7p22.1.
Variant type: single nucleotide variant.
Coding change: c.1139T>G on transcript NM_000535.7 (MANE Select); coding-DNA position 1139, T replaced by G.
Protein change: p.Val380Gly; replaces valine 380 with glycine.
Molecular consequence: missense variant. On other transcripts: non-coding transcript variant (1), intron variant (2).
Genome position (GRCh38, 1-based): chr7:5,989,805, A>C on the plus strand (T>G on the coding strand, the complement: PMS2 is on the minus strand). VCF-style: chr7-5989805-A-C. GRCh37 (hg19) VCF-style: chr7-6029436-A-C.
Other names: c.734T>G, p.Val245Gly (NM_001322003.2, NM_001322004.2, NM_001322005.2 and 1 more transcripts); c.821T>G, p.Val274Gly (NM_001322007.2, NM_001322008.2); c.206T>G, p.Val69Gly (NM_001322011.2, NM_001322012.2); c.566T>G, p.Val189Gly (NM_001322013.2); c.1139T>G, p.Val380Gly (NM_001322014.2); c.830T>G, p.Val277Gly (NM_001322015.2); c.583+2168T>G (NM_001322010.2); c.988+2168T>G (NM_001322006.2); short protein forms V380G, V245G, V277G, V69G, V189G, V274G.
Identifiers: ClinVar variation 630207 (VCV000630207.19), dbSNP rs748971523, ClinGen allele CA042071.